The following is an entry in ClinVar:

NM_004168.4(SDHA):c.619A>G (p.Arg207Gly)

Gene: SDHA (succinate dehydrogenase complex flavoprotein subunit A; plus strand). Cytogenetic location: 5p15.33.
Variant type: single nucleotide variant.
Coding change: c.619A>G on transcript NM_004168.4 (MANE Select); coding-DNA position 619, A replaced by G.
Protein change: p.Arg207Gly; replaces arginine 207 with glycine.
Molecular consequence: missense variant.
Genome position (GRCh38, 1-based): chr5:226,045, A>G. VCF-style: chr5-226045-A-G. GRCh37 (hg19) VCF-style: chr5-226160-A-G.
Other names: c.475A>G, p.Arg159Gly (NM_001294332.2); c.619A>G, p.Arg207Gly (NM_001330758.2); short protein forms R159G, R207G.
Identifiers: ClinVar variation 1004451 (VCV001004451.9), dbSNP rs6555055, ClinGen allele CA359010680.

ClinVar aggregate classification (germline): Uncertain significance (1 of 4 stars; one submission).

Conditions:
Mitochondrial complex II deficiency, nuclear type 1. Also called: SUCCINATE CoQ REDUCTASE DEFICIENCY. Identifiers: Orphanet 3208, MedGen C5700310, MONDO:0100294, OMIM 252011.
Pheochromocytoma/paraganglioma syndrome 5. Also called: Paragangliomas 5; SDHA-Related Hereditary Paraganglioma-Pheochromocytoma Syndrome. Identifiers: Orphanet 29072, MedGen C3279992, MONDO:0013602, OMIM 614165.

Submission:

Labcorp Genetics (formerly Invitae), Labcorp
Classification: Uncertain significance for Pheochromocytoma/paraganglioma syndrome 5; Mitochondrial complex II deficiency, nuclear type 1. Last evaluated: 2022-07-19. Review status: criteria provided, single submitter. Criteria: Invitae Variant Classification Sherloc (09022015). Collection method: clinical testing. Allele origin: germline.
Comment: This variant is not present in population databases (gnomAD no frequency). This sequence change replaces arginine, which is basic and polar, with glycine, which is neutral and non-polar, at codon 207 of the SDHA protein (p.Arg207Gly). This variant has not been reported in the literature in individuals affected with SDHA-related conditions. In summary, the available evidence is currently insufficient to determine the role of this variant in disease. Therefore, it has been classified as a Variant of Uncertain Significance. Algorithms developed to predict the effect of missense changes on protein structure and function are either unavailable or do not agree on the potential impact of this missense change (SIFT: "Deleterious"; PolyPhen-2: "Probably Damaging"; Align-GVGD: "Class C0"). ClinVar contains an entry for this variant (Variation ID: 1004451).